The following is an entry in ClinVar:

ClinVar aggregate classification (germline): Benign/Likely benign. Review status: criteria provided, multiple submitters, no conflicts (2 of 4 stars). 6 submissions from 6 submitters: Benign (5); Likely benign (1). Last evaluated 2026-01-01.

Conditions:
Hereditary sensory neuropathy-deafness-dementia syndrome. Also called: HSN IE; Hereditary sensory neuropathy type IE; Hereditary Sensory and Autonomic Neuropathy Type 1E (HSAN1E); NEUROPATHY, HEREDITARY SENSORY, WITH HEARING LOSS AND DEMENTIA. Identifiers: Orphanet 456318, MedGen C3279885, MONDO:0013584, OMIM 614116.

Allele frequency attached by ClinVar (database versions not stated): gnomAD exomes 0.00025 and 0.00075; ExAC 0.00098; gnomAD 0.00281 and 0.00295; TOPMed 0.00307; 1000 Genomes Project 30x 0.00344; ESP Exome Variant Server 0.00354; 1000 Genomes Project 0.00399.
gnomAD v4.1: 818 of 1,613,922 alleles (0.051%); highest among the groups gnomAD compares: African/African-American, 0.92%; 5 homozygotes.

Submissions (6):

CeGaT Center for Human Genetics Tuebingen
Classification: Benign. Last evaluated: 2026-01-01. Review status: criteria provided, single submitter. Criteria: CeGaT Center For Human Genetics Tuebingen Variant Classification Criteria Version 2. Collection method: clinical testing. Allele origin: germline. Affected: yes. Observed: 2 variant alleles.
Comment: DNMT1: BP4, BS1, BS2

Labcorp Genetics (formerly Invitae), Labcorp
Classification: Benign for Hereditary sensory neuropathy-deafness-dementia syndrome. Last evaluated: 2025-12-27. Review status: criteria provided, single submitter. Criteria: Invitae Variant Classification Sherloc (09022015). Collection method: clinical testing. Allele origin: germline.

Blueprint Genetics
Classification: Likely benign. Last evaluated: 2024-11-25. Review status: criteria provided, single submitter. Criteria: ACMG Guidelines, 2015. Collection method: clinical testing. Allele origin: germline.

GeneDx
Classification: Benign. Last evaluated: 2019-03-07. Review status: criteria provided, single submitter. Criteria: GeneDx Variant Classification Process June 2021. Collection method: clinical testing. Allele origin: germline. Affected: yes.

Mayo Clinic Laboratories, Mayo Clinic
Classification: Benign. Last evaluated: 2018-09-04. Review status: criteria provided, single submitter. Criteria: ACMG Guidelines, 2015. Collection method: clinical testing. Allele origin: germline. Observed: 4 variant alleles.

Breakthrough Genomics
Classification: Benign. Review status: criteria provided, single submitter. Criteria: ACMG Guidelines, 2015. Collection method: not provided. Allele origin: germline. Inheritance: Autosomal dominant inheritance. Affected: yes.

NM_001130823.3(DNMT1):c.925C>G (p.Leu309Val)

Gene: DNMT1 (DNA methyltransferase 1; minus strand). Cytogenetic location: 19p13.2.
Variant type: single nucleotide variant.
Coding change: c.925C>G on transcript NM_001130823.3 (MANE Select); coding-DNA position 925, C replaced by G.
Protein change: p.Leu309Val; replaces leucine 309 with valine.
Molecular consequence: missense variant.
Genome position (GRCh38, 1-based): chr19:10,163,327, G>C on the plus strand (C>G on the coding strand, the complement: DNMT1 is on the minus strand). VCF-style: chr19-10163327-G-C. GRCh37 (hg19) VCF-style: chr19-10274003-G-C.
Other names: p.Leu309Val; c.925C>G (LRG_362t1); c.877C>G, p.Leu293Val (NM_001318730.2, NM_001379.4); c.562C>G, p.Leu188Val (NM_001318731.2); short protein forms L309V, L293V, L188V.
Identifiers: ClinVar variation 389881 (VCV000389881.68), dbSNP rs61758430, ClinGen allele CA9188524.